The following is an entry in ClinVar:

NM_198252.3(GSN):c.-9-2061_-9-2032dup

Gene: GSN (gelsolin; plus strand). Cytogenetic location: 9q33.2.
Variant type: Duplication.
Coding change: c.-9-2061_-9-2032dup on transcript NM_198252.3 (MANE Select); 2061 bases into the intron before 9 bases upstream of the start codon through 2032 bases into the intron before 9 bases upstream of the start codon, 30 bases duplicated (TGTCCCTGGCGCTGTGCGCGCTGTCGCTGC).
Molecular consequence: intron variant. On other transcripts: inframe insertion (1).
Genome position (GRCh38, 1-based): chr9:121,299,902-121,299,931, TGTCCCTGGCGCTGTGCGCGCTGTCGCTGC duplicated; duplicating any 30 consecutive bases within chr9:121,299,900-121,299,931 gives the same sequence; the c. name uses the placement nearest the transcript's 3' end. VCF-style (leftmost placement, unchanged base first): chr9-121299899-C-CGCTGTCCCTGGCGCTGTGCGCGCTGTCGCT. GRCh37 (hg19) VCF-style: chr9-124062177-C-CGCTGTCCCTGGCGCTGTGCGCGCTGTCGCT.
Other names: c.-9-2061_-9-2032dup (NM_001127662.2, NM_001353062.1, NM_001353054.1 and 5 more transcripts); c.43-2061_43-2032dup (NM_001258029.2); c.16-2061_16-2032dup (NM_001258030.2); c.-47-154_-47-125dup (NM_001353075.1, NM_001353077.1, NM_001353067.2 and 8 more transcripts); c.-38-163_-38-134dup (NM_001127667.2, NM_001353063.2, NM_001353073.2 and 2 more transcripts); c.-32-169_-32-140dup (NM_001353070.2); c.-48-2022_-48-1993dup (NM_001353055.2); c.-1-2069_-1-2040dup (NM_001353057.2, NM_001353058.2, NM_001353059.2 and 1 more transcripts); and 3 more.
Identifiers: ClinVar variation 2960851 (VCV002960851.3), dbSNP rs2540474485, ClinGen allele CA2740095596.
Genomic context (GRCh38, chr9:121,299,899, plus strand): 5'-GGTCCCCTGCCGCTGTCGCCACCATGGCTCCGCACCGCCCCGCGCCCGCGCTGCTTTGCG[C>CGCTGTCCCTGGCGCTGTGCGCGCTGTCGCT]GCTGTCCCTGGCGCTGTGCGCGCTGTCGCTGCCCGTCCGCGCGGCCACTGCGTCGCGGGG-3'

ClinVar aggregate classification (germline): Uncertain significance (1 of 4 stars; one submission).

Submission:

Labcorp Genetics (formerly Invitae), Labcorp
Classification: Uncertain significance. Last evaluated: 2023-06-04. Review status: criteria provided, single submitter. Criteria: Invitae Variant Classification Sherloc (09022015). Collection method: clinical testing. Allele origin: germline.
Comment: In summary, the available evidence is currently insufficient to determine the role of this variant in disease. Therefore, it has been classified as a Variant of Uncertain Significance. This variant has not been reported in the literature in individuals affected with GSN-related conditions. This variant is not present in population databases (gnomAD no frequency). This variant, c.41_70dup, results in the insertion of 10 amino acid(s) of the GSN protein (p.Leu14_Leu23dup), but otherwise preserves the integrity of the reading frame.